The following is an entry in ClinVar:

ClinVar aggregate classification (germline): Likely benign (1 of 4 stars; one submission).

Allele frequency attached by ClinVar (database versions not stated): ESP Exome Variant Server 0.00015; TOPMed 0.00040; gnomAD 0.00042; ExAC 0.00091; 1000 Genomes Project 30x 0.00125; 1000 Genomes Project 0.00140.

Submission:

CeGaT Center for Human Genetics Tuebingen
Classification: Likely benign. Last evaluated: 2022-07-01. Review status: criteria provided, single submitter. Criteria: CeGaT Center For Human Genetics Tuebingen Variant Classification Criteria Version 2. Collection method: clinical testing. Allele origin: germline. Affected: yes. Observed: 1 variant allele.
Comment: MYBBP1A: BP4, BP7

NM_014520.4(MYBBP1A):c.720A>G (p.Ser240=)

Gene: MYBBP1A (MYB binding protein 1a; minus strand). Cytogenetic location: 17p13.2.
Variant type: single nucleotide variant.
Coding change: c.720A>G on transcript NM_014520.4 (MANE Select); coding-DNA position 720, A replaced by G.
Protein change: p.Ser240=; no amino-acid change (serine 240 retained).
Molecular consequence: synonymous variant.
Genome position (GRCh38, 1-based): chr17:4,552,468, T>C on the plus strand (A>G on the coding strand, the complement: MYBBP1A is on the minus strand). VCF-style: chr17-4552468-T-C. GRCh37 (hg19) VCF-style: chr17-4455763-T-C.
Other names: c.720A>G, p.Ser240= (NM_001105538.2).
Identifiers: ClinVar variation 2647264 (VCV002647264.24), dbSNP rs145006324, ClinGen allele CA8305469.
Genomic context (GRCh38, chr17:4,552,468, plus strand): 5'-CCCTTGGCCCCAGGGAGGGCAAATCCGCCCACCTCCATCACACCTGGGGACATTCTCATC[T>C]GAGAATAGGTTCACGGATCCCACCAGCTTCTTGAGCTTGGAGGGCACCTTCTGCTGGGCC-3'
Protein context (NP_055335.2, residues 230-250): KKLVGSVNLF[Ser240=]DENVPRLVNV